The following is an entry in ClinVar:

ClinVar aggregate classification (germline): Uncertain significance (1 of 4 stars; one submission).

gnomAD v4.1: 2 of 1,614,174 alleles (0.00012%); highest among the groups gnomAD compares: South Asian, 0.0022%; no homozygotes.

Submission:

GeneDx
Classification: Uncertain significance. Last evaluated: 2024-10-10. Review status: criteria provided, single submitter. Criteria: GeneDx Variant Classification Process June 2021. Collection method: clinical testing. Allele origin: germline. Affected: yes.
Comment: Not observed at significant frequency in large population cohorts (gnomAD); In silico analysis supports that this missense variant has a deleterious effect on protein structure/function; Has not been previously published as pathogenic or benign to our knowledge

NM_024649.5(BBS1):c.207G>T (p.Lys69Asn)

Gene: BBS1 (Bardet-Biedl syndrome 1; plus strand). Cytogenetic location: 11q13.2.
Variant type: single nucleotide variant.
Coding change: c.207G>T on transcript NM_024649.5 (MANE Select); coding-DNA position 207, G replaced by T.
Protein change: p.Lys69Asn; replaces lysine 69 with asparagine.
Molecular consequence: missense variant.
Genome position (GRCh38, 1-based): chr11:66,514,453, G>T. VCF-style: chr11-66514453-G-T. GRCh37 (hg19) VCF-style: chr11-66281924-G-T.
Other names: short protein forms K69N.
Identifiers: ClinVar variation 3777341 (VCV003777341.1).